The following is an entry in ClinVar:

ClinVar aggregate classification (germline): Uncertain significance. Review status: criteria provided, multiple submitters, no conflicts (2 of 4 stars). 2 submissions from 2 submitters: Uncertain significance (2). Last evaluated 2025-11-24.

Conditions:
Cardiovascular phenotype. Identifiers: MedGen CN230736.
Progressive familial heart block type IB (PFHB1B). Identifiers: Orphanet 871, MedGen C1970298, MONDO:0011474, OMIM 604559.

gnomAD v4.1: 1 of 1,614,048 alleles (0.000062%); highest among the groups gnomAD compares: Admixed American, 0.0017%; no homozygotes.

Submissions (2):

Ambry Genetics
Classification: Uncertain significance for Cardiovascular phenotype. Last evaluated: 2025-11-24. Review status: criteria provided, single submitter. Criteria: Ambry Variant Classification Scheme 2023. Collection method: clinical testing. Allele origin: germline.
Comment: The p.P1099A variant (also known as c.3295C>G), located in coding exon 21 of the TRPM4 gene, results from a C to G substitution at nucleotide position 3295. The proline at codon 1099 is replaced by alanine, an amino acid with highly similar properties. This amino acid position is conserved. In addition, this alteration is predicted to be tolerated by in silico analysis. Based on the available evidence, the clinical significance of this variant remains unclear.

Labcorp Genetics (formerly Invitae), Labcorp
Classification: Uncertain significance for Progressive familial heart block type IB. Last evaluated: 2025-01-29. Review status: criteria provided, single submitter. Criteria: Invitae Variant Classification Sherloc (09022015). Collection method: clinical testing. Allele origin: germline.
Comment: This sequence change replaces proline, which is neutral and non-polar, with alanine, which is neutral and non-polar, at codon 1099 of the TRPM4 protein (p.Pro1099Ala). This variant is not present in population databases (gnomAD no frequency). This variant has not been reported in the literature in individuals affected with TRPM4-related conditions. ClinVar contains an entry for this variant (Variation ID: 3329264). An algorithm developed to predict the effect of missense changes on protein structure and function (PolyPhen-2) suggests that this variant is likely to be tolerated. In summary, the available evidence is currently insufficient to determine the role of this variant in disease. Therefore, it has been classified as a Variant of Uncertain Significance.

NM_017636.4(TRPM4):c.3295C>G (p.Pro1099Ala)

Gene: TRPM4 (transient receptor potential cation channel subfamily M member 4; plus strand). Cytogenetic location: 19q13.33.
Variant type: single nucleotide variant.
Coding change: c.3295C>G on transcript NM_017636.4 (MANE Select); coding-DNA position 3295, C replaced by G.
Protein change: p.Pro1099Ala; replaces proline 1099 with alanine.
Molecular consequence: missense variant.
Genome position (GRCh38, 1-based): chr19:49,210,372, C>G. VCF-style: chr19-49210372-C-G. GRCh37 (hg19) VCF-style: chr19-49713629-C-G.
Other names: c.2860C>G, p.Pro954Ala (NM_001195227.2); c.2950C>G, p.Pro984Ala (NM_001321281.2); c.1687C>G, p.Pro563Ala (NM_001321282.2); c.2773C>G, p.Pro925Ala (NM_001321283.2); c.2233C>G, p.Pro745Ala (NM_001321285.2); short protein forms P745A, P563A, P954A, P1099A, P925A, P984A.
Identifiers: ClinVar variation 3329264 (VCV003329264.4).